The following is an entry in ClinVar:

NM_153240.5(NPHP3):c.1220_1221del (p.Ser407fs)

Genes: NPHP3-ACAD11 (NPHP3-ACAD11 readthrough (NMD candidate); minus strand), NPHP3 (nephrocystin 3; minus strand). Cytogenetic location: 3q22.1.
Variant type: Microsatellite.
Coding change: c.1220_1221del on transcript NM_153240.5 (MANE Select); coding-DNA positions 1220 to 1221, 2 bases deleted (CT; older notation c.1220_1221delCT).
Protein change: p.Ser407fs; shifts the reading frame from serine 407.
Molecular consequence: frameshift variant. On other transcripts: non-coding transcript variant (1).
Genome position (GRCh38, 1-based): chr3:132,708,155-132,708,156, AG deleted on the plus strand (CT on the coding strand, the reverse complement: NPHP3 is on the minus strand); deleting any 2 consecutive bases within chr3:132,708,155-132,708,158 gives the same sequence; the c. name uses the placement nearest the transcript's 3' end. VCF-style (leftmost placement, unchanged base first): chr3-132708154-CAG-C. GRCh37 (hg19) VCF-style: chr3-132426998-CAG-C.
Other names: short protein forms S407fs.
Identifiers: ClinVar variation 1341515 (VCV001341515.3), dbSNP rs1404621140, ClinGen allele CA546270192.

ClinVar aggregate classification (germline): Likely pathogenic (1 of 4 stars; one submission).

Conditions:
NPHP3-related Meckel-like syndrome. Also called: GOLDSTON SYNDROME; Meckel syndrome type 7. Identifiers: Orphanet 3032, MedGen C2673885, MONDO:0009966, OMIM 267010.

Submission:

Dasa
Classification: Likely pathogenic for NPHP3-related Meckel-like syndrome. Last evaluated: 2022-02-14. Review status: criteria provided, single submitter. Criteria: ACMG Guidelines, 2015. Collection method: clinical testing. Allele origin: germline. Affected: yes. Observed: 1 variant allele.
Comment: The c.1220_1221del;p.(Ser407Cysfs*6) is a null frameshift variant in the NPHP3 gene and predicts alteration of the nonsense-mediate decay - NMD is present in a relevant exon to the transcript - PVS1. The variant is present at low allele frequencies population databases (rs1404621140 - gnomAD 0.00003978%; ABraOM no frequency) - PM2_supporting. In summary, the currently available evidence indicates that the variant is likely pathogenic.